The following is an entry in ClinVar:

ClinVar aggregate classification (germline): Uncertain significance. Review status: criteria provided, multiple submitters, no conflicts (2 of 4 stars). 2 submissions from 2 submitters: Uncertain significance (2). Last evaluated 2025-11-09.

Conditions:
Inborn genetic diseases. Identifiers: MedGen C0950123, MeSH D030342.

gnomAD v4.1: 2 of 1,613,746 alleles (0.00012%); highest among the groups gnomAD compares: Non-Finnish European, 0.00017%; no homozygotes.

Submissions (2):

Ambry Genetics
Classification: Uncertain significance for Inborn genetic diseases. Last evaluated: 2025-11-09. Review status: criteria provided, single submitter. Criteria: Ambry Variant Classification Scheme 2023. Collection method: clinical testing. Allele origin: germline.
Comment: The p.T1037P variant (also known as c.3109A>C), located in coding exon 1 of the SAMD9 gene, results from an A to C substitution at nucleotide position 3109. The threonine at codon 1037 is replaced by proline, an amino acid with highly similar properties. This amino acid position is conserved. In addition, this alteration is predicted to be tolerated by in silico analysis. Based on the available evidence, the clinical significance of this variant remains unclear.

Labcorp Genetics (formerly Invitae), Labcorp
Classification: Uncertain significance. Last evaluated: 2025-01-29. Review status: criteria provided, single submitter. Criteria: Invitae Variant Classification Sherloc (09022015). Collection method: clinical testing. Allele origin: germline.
Comment: This sequence change replaces threonine, which is neutral and polar, with proline, which is neutral and non-polar, at codon 1037 of the SAMD9 protein (p.Thr1037Pro). This variant is present in population databases (rs762391460, gnomAD 0.0009%). This variant has not been reported in the literature in individuals affected with SAMD9-related conditions. Invitae Evidence Modeling of protein sequence and biophysical properties (such as structural, functional, and spatial information, amino acid conservation, physicochemical variation, residue mobility, and thermodynamic stability) indicates that this missense variant is not expected to disrupt SAMD9 protein function with a negative predictive value of 95%. In summary, the available evidence is currently insufficient to determine the role of this variant in disease. Therefore, it has been classified as a Variant of Uncertain Significance.

NM_017654.4(SAMD9):c.3109A>C (p.Thr1037Pro)

Gene: SAMD9 (sterile alpha motif domain containing 9; minus strand). Cytogenetic location: 7q21.2.
Variant type: single nucleotide variant.
Coding change: c.3109A>C on transcript NM_017654.4 (MANE Select); coding-DNA position 3109, A replaced by C.
Protein change: p.Thr1037Pro; replaces threonine 1037 with proline.
Molecular consequence: missense variant.
Genome position (GRCh38, 1-based): chr7:93,102,989, T>G on the plus strand (A>C on the coding strand, the complement: SAMD9 is on the minus strand). VCF-style: chr7-93102989-T-G. GRCh37 (hg19) VCF-style: chr7-92732302-T-G.
Other names: c.3109A>C (NM_017654.3); c.3109A>C, p.Thr1037Pro (NM_001193307.2); short protein forms T1037P.
Identifiers: ClinVar variation 3677955 (VCV003677955.3).